The following is an entry in ClinVar:

NM_000059.4(BRCA2):c.2082T>G (p.Asn694Lys)

Gene: BRCA2 (BRCA2 DNA repair associated; plus strand). Cytogenetic location: 13q13.1.
Variant type: single nucleotide variant.
Coding change: c.2082T>G on transcript NM_000059.4 (MANE Select); coding-DNA position 2082, T replaced by G.
Protein change: p.Asn694Lys; replaces asparagine 694 with lysine.
Molecular consequence: missense variant. On other transcripts: non-coding transcript variant (1), intron variant (2).
Genome position (GRCh38, 1-based): chr13:32,336,437, T>G. VCF-style: chr13-32336437-T-G. GRCh37 (hg19) VCF-style: chr13-32910574-T-G.
Other names: c.2082T>G, p.Asn694Lys (NM_001406719.1, NM_001406720.1); c.1909+3050T>G (NM_001406721.1); c.424+5407T>G (NM_001406722.1); short protein forms N694K.
Identifiers: ClinVar variation 2765373 (VCV002765373.3), dbSNP rs777141329, ClinGen allele CA387769124.

ClinVar aggregate classification (germline): Uncertain significance (1 of 4 stars; one submission).

Conditions:
Hereditary breast ovarian cancer syndrome. Also called: Hereditary breast and ovarian cancer syndrome; Hereditary breast and/or ovarian cancer syndrome; BRCA1- and BRCA2-Associated Hereditary Breast and Ovarian Cancer; Hereditary breast and ovarian cancer; Breast and ovarian cancer; Hereditary breast and ovarian cancer syndrome (HBOC). Identifiers: Orphanet 145, MedGen C0677776, MeSH D061325, MONDO:0003582. Disease mechanism: loss of function.

Submission:

Labcorp Genetics (formerly Invitae), Labcorp
Classification: Uncertain significance for Hereditary breast ovarian cancer syndrome. Last evaluated: 2023-06-04. Review status: criteria provided, single submitter. Criteria: Invitae Variant Classification Sherloc (09022015). Collection method: clinical testing. Allele origin: germline.
Comment: In summary, the available evidence is currently insufficient to determine the role of this variant in disease. Therefore, it has been classified as a Variant of Uncertain Significance. Advanced modeling of protein sequence and biophysical properties (such as structural, functional, and spatial information, amino acid conservation, physicochemical variation, residue mobility, and thermodynamic stability) performed at Invitae indicates that this missense variant is not expected to disrupt BRCA2 protein function. This variant has not been reported in the literature in individuals affected with BRCA2-related conditions. This variant is not present in population databases (gnomAD no frequency). This sequence change replaces asparagine, which is neutral and polar, with lysine, which is basic and polar, at codon 694 of the BRCA2 protein (p.Asn694Lys).